The following is an entry in ClinVar:

NM_004415.4(DSP):c.1874A>T (p.Gln625Leu)

Gene: DSP (desmoplakin; plus strand). Cytogenetic location: 6p24.3.
Variant type: single nucleotide variant.
Coding change: c.1874A>T on transcript NM_004415.4 (MANE Select); coding-DNA position 1874, A replaced by T.
Protein change: p.Gln625Leu; replaces glutamine 625 with leucine.
Molecular consequence: missense variant.
Genome position (GRCh38, 1-based): chr6:7,571,555, A>T. VCF-style: chr6-7571555-A-T. GRCh37 (hg19) VCF-style: chr6-7571788-A-T.
Other names: c.1874A>T, p.Gln625Leu (NM_001008844.3, NM_001319034.2); short protein forms Q625L.
Identifiers: ClinVar variation 924157 (VCV000924157.5), dbSNP rs1759053331, ClinGen allele CA362679692.

ClinVar aggregate classification (germline): Uncertain significance (1 of 4 stars; one submission).

Conditions:
Cardiomyopathy (CMYO). Also called: Cardiomyopathies. Identifiers: Orphanet 167848, MedGen C0878544, MONDO:0004994, HP:0001638. Inheritance: Various modes of inheritance.

Submission:

Color Diagnostics, LLC DBA Color Health
Classification: Uncertain significance for Cardiomyopathy. Last evaluated: 2023-12-04. Review status: criteria provided, single submitter. Criteria: ACMG Guidelines, 2015. Collection method: clinical testing. Allele origin: germline.
Comment: Variant of Uncertain Significance due to insufficient evidence: This missense variant is located in the spectrin repeat 6 of the plakin domain of the DSP protein. Computational prediction tools and conservation analyses are inconclusive regarding the impact of this variant on the protein function. Computational splicing tools suggest that this variant may not impact RNA splicing. To our knowledge, functional assays have not been performed for this variant nor has this variant been reported in individuals affected with cardiovascular disorders in the literature. This variant is rare in the general population and has been identified in 0/277264 chromosomes by the Genome Aggregation Database (gnomAD). Available evidence is insufficient to determine the pathogenicity of this variant conclusively.